The following is an entry in ClinVar:

NM_001377137.1(GBF1):c.2358C>T (p.Tyr786=)

Gene: GBF1 (golgi brefeldin A resistant guanine nucleotide exchange factor 1; plus strand). Cytogenetic location: 10q24.32.
Variant type: single nucleotide variant.
Coding change: c.2358C>T on transcript NM_001377137.1 (MANE Select); coding-DNA position 2358, C replaced by T.
Protein change: p.Tyr786=; no amino-acid change (tyrosine 786 retained).
Molecular consequence: synonymous variant. On other transcripts: non-coding transcript variant (5).
Genome position (GRCh38, 1-based): chr10:102,366,431, C>T. VCF-style: chr10-102366431-C-T. GRCh37 (hg19) VCF-style: chr10-104126188-C-T.
Other names: p.Tyr785=; c.2358C>T, p.Tyr786= (NM_001199378.2, NM_001391923.1); c.2355C>T, p.Tyr785= (NM_001199379.2, NM_001377141.1, NM_001391924.1 and 4 more transcripts); c.2319C>T, p.Tyr773= (NM_001377138.1, NM_001391925.1); c.2061C>T, p.Tyr687= (NM_001377139.1, NM_001377140.1); c.2454C>T, p.Tyr818= (NM_001391922.1, NM_001411027.1); c.2322C>T, p.Tyr774= (NM_001391926.1); c.2214C>T, p.Tyr738= (NM_001391928.1); and 2 more.
Identifiers: ClinVar variation 2640788 (VCV002640788.25), dbSNP rs147857323, ClinGen allele CA5663505.

ClinVar aggregate classification (germline): Benign. Review status: criteria provided, multiple submitters, no conflicts (2 of 4 stars). 2 submissions from 2 submitters: Benign (2). Last evaluated 2026-09-01.

Allele frequency attached by ClinVar (database versions not stated): 1000 Genomes Project 0.00399; 1000 Genomes Project 30x 0.00422; TOPMed 0.00549; ESP Exome Variant Server 0.00792; gnomAD 0.01071; ExAC 0.01292.
gnomAD v4.1: 17,536 of 1,613,986 alleles (1.1%); highest among the groups gnomAD compares: Non-Finnish European, 1%; 225 homozygotes.

Submissions (2):

CeGaT Center for Human Genetics Tuebingen
Classification: Benign. Last evaluated: 2026-09-01. Review status: criteria provided, single submitter. Criteria: CeGaT Center For Human Genetics Tuebingen Variant Classification Criteria Version 2. Collection method: clinical testing. Allele origin: germline. Affected: yes. Observed: 17 variant alleles.
Comment: GBF1: BP4, BP7, BS1, BS2

Mayo Clinic Laboratories, Mayo Clinic
Classification: Benign. Last evaluated: 2022-03-24. Review status: criteria provided, single submitter. Criteria: ACMG Guidelines, 2015. Collection method: clinical testing. Allele origin: germline. Observed: 21 variant alleles.